The following is an entry in ClinVar:

ClinVar aggregate classification (germline): Uncertain significance (1 of 4 stars; one submission).

Conditions:
Emery-Dreifuss muscular dystrophy 5, autosomal dominant (EDMD5). Also called: EMERY-DREIFUSS MUSCULAR DYSTROPHY 5. Identifiers: Orphanet 261, MedGen C2751805, MONDO:0013072, OMIM 612999.

Allele frequency attached by ClinVar (database versions not stated): ExAC 0.00001; gnomAD exomes 0.00001; TOPMed 0.00001; gnomAD 0.00002.
gnomAD v4.1: 22 of 1,614,054 alleles (0.0014%); highest among the groups gnomAD compares: Non-Finnish European, 0.0017%; no homozygotes.

Submission:

Labcorp Genetics (formerly Invitae), Labcorp
Classification: Uncertain significance for Emery-Dreifuss muscular dystrophy 5, autosomal dominant. Last evaluated: 2017-05-24. Review status: criteria provided, single submitter. Criteria: Invitae Variant Classification Sherloc (09022015). Collection method: clinical testing. Allele origin: germline.
Comment: This variant is present in population databases (rs771893487, ExAC 0.001%). This sequence change replaces glutamine with histidine at codon 6060 of the SYNE2 protein (p.Gln6060His). The glutamine residue is moderately conserved and there is a small physicochemical difference between glutamine and histidine. This variant has not been reported in the literature in individuals with a SYNE2-related disease. Algorithms developed to predict the effect of missense changes on protein structure and function do not agree on the potential impact of this missense change (SIFT: "Tolerated"; PolyPhen-2: "Probably Damaging"; Align-GVGD: "Class C0"). In summary, this variant has uncertain impact on SYNE2 function. The available evidence is currently insufficient to determine its role in disease. Therefore, it has been classified as a Variant of Uncertain Significance.

NM_182914.3(SYNE2):c.18180G>C (p.Gln6060His)

Gene: SYNE2 (spectrin repeat containing nuclear envelope protein 2; plus strand). Cytogenetic location: 14q23.2.
Variant type: single nucleotide variant.
Coding change: c.18180G>C on transcript NM_182914.3 (MANE Select); coding-DNA position 18180, G replaced by C.
Protein change: p.Gln6060His; replaces glutamine 6060 with histidine.
Molecular consequence: missense variant.
Genome position (GRCh38, 1-based): chr14:64,202,942, G>C. VCF-style: chr14-64202942-G-C. GRCh37 (hg19) VCF-style: chr14-64669660-G-C.
Other names: c.18180G>C, p.Gln6060His (NM_015180.6); short protein forms Q6060H.
Identifiers: ClinVar variation 470956 (VCV000470956.8), dbSNP rs771893487, ClinGen allele CA7223959.